The following is an entry in ClinVar:

NM_000368.5(TSC1):c.1219G>C (p.Val407Leu)

Gene: TSC1 (TSC complex subunit 1; minus strand). Cytogenetic location: 9q34.13.
Variant type: single nucleotide variant.
Coding change: c.1219G>C on transcript NM_000368.5 (MANE Select); coding-DNA position 1219, G replaced by C.
Protein change: p.Val407Leu; replaces valine 407 with leucine.
Molecular consequence: missense variant.
Genome position (GRCh38, 1-based): chr9:132,910,615, C>G on the plus strand (G>C on the coding strand, the complement: TSC1 is on the minus strand). VCF-style: chr9-132910615-C-G. GRCh37 (hg19) VCF-style: chr9-135786002-C-G.
Other names: c.856G>C, p.Val286Leu (NM_001362177.2); c.1216G>C, p.Val406Leu (NM_001162426.2); c.1066G>C, p.Val356Leu (NM_001162427.2); short protein forms V356L, V407L, V286L, V406L.
Identifiers: ClinVar variation 655839 (VCV000655839.12), dbSNP rs769331772, ClinGen allele CA375366893.
Genomic context (GRCh38, chr9:132,910,615, plus strand): 5'-ACGAGCTGGATCGCACCTTCCTGGGGGGTGTGACTGTGGCCTGGGGGAGTGAAATGTGCA[C>G]GTAGTCATCCGAATGACAGAGTGGGGCTGGAGGAGGAGAGGTTGCTGGGGTTCCCAGAGG-3'
Protein context (NP_000359.1, residues 397-417): PAPLCHSDDY[Val407Leu]HISLPQATVT

ClinVar aggregate classification (germline): Conflicting classifications of pathogenicity. Review status: criteria provided, conflicting classifications (1 of 4 stars). 3 submissions from 3 submitters: Uncertain significance (2); Likely benign (1). Last evaluated 2025-07-08.

Conditions:
Hereditary cancer-predisposing syndrome. Also called: Neoplastic Syndromes, Hereditary; Hereditary neoplastic syndrome; Hereditary Cancer Syndrome; Tumor predisposition. Identifiers: Orphanet 140162, MedGen C0027672, MeSH D009386, MONDO:0015356.
Tuberous sclerosis 1 (TSC1). Identifiers: Orphanet 805, MedGen C1854465, MONDO:0008612, OMIM 191100.

gnomAD v4.1: 1 of 1,614,060 alleles (0.000062%); highest among the groups gnomAD compares: Admixed American, 0.0017%; no homozygotes.

Submissions (3):

Labcorp Genetics (formerly Invitae), Labcorp
Classification: Likely benign for Tuberous sclerosis 1. Last evaluated: 2025-07-08. Review status: criteria provided, single submitter. Criteria: Invitae Variant Classification Sherloc (09022015). Collection method: clinical testing. Allele origin: germline.

Quest Diagnostics Nichols Institute San Juan Capistrano
Classification: Uncertain significance. Last evaluated: 2024-10-31. Review status: criteria provided, single submitter. Criteria: Quest Diagnostics criteria. Collection method: clinical testing. Allele origin: unknown.
Comment: The TSC1 c.1219G>C (p.Val407Leu) variant has been reported in the published literature in an individual undergoing genetic testing due to suspected tuberous sclerosis (PMID: 32917966 (2021)). The frequency of this variant in the general population, 0.000004 (1/251112 chromosomes (Genome Aggregation Database)), is uninformative in the assessment of its pathogenicity. Analysis of this variant using bioinformatics tools for the prediction of the effect of amino acid changes on protein structure and function yielded predictions that this variant is benign. Based on the available information, we are unable to determine the clinical significance of this variant.

Ambry Genetics
Classification: Uncertain significance for Hereditary cancer-predisposing syndrome. Last evaluated: 2024-01-24. Review status: criteria provided, single submitter. Criteria: Ambry Variant Classification Scheme 2023. Collection method: clinical testing. Allele origin: germline.
Comment: The p.V407L variant (also known as c.1219G>C), located in coding exon 10 of the TSC1 gene, results from a G to C substitution at nucleotide position 1219. The valine at codon 407 is replaced by leucine, an amino acid with highly similar properties. This alteration was identified in 1 of 374 patients with clinically suspected TSC undergoing genetic testing within the TSC1 and TSC2 genes, but no specific phenotypic data was provided (Meng Y et al. J Hum Genet, 2021 Mar;66:227-236). This amino acid position is not well conserved in available vertebrate species. In addition, this alteration is predicted to be tolerated by in silico analysis. Based on the available evidence, the clinical significance of this alteration remains unclear.

Literature cited by the submitters: PubMed 32917966 (cited by Quest Diagnostics Nichols Institute San Juan Capistrano and Ambry Genetics).